The following is an entry in ClinVar:

NM_019109.5(ALG1):c.629+20C>T

Gene: ALG1 (ALG1 chitobiosyldiphosphodolichol beta-mannosyltransferase; plus strand). Cytogenetic location: 16p13.3.
Variant type: single nucleotide variant.
Coding change: c.629+20C>T on transcript NM_019109.5 (MANE Select); 20 bases into the intron after coding-DNA position 629, C replaced by T.
Molecular consequence: intron variant.
Genome position (GRCh38, 1-based): chr16:5,077,554, C>T. VCF-style: chr16-5077554-C-T. GRCh37 (hg19) VCF-style: chr16-5127555-C-T.
Other names: c.296+20C>T (NM_001330504.2).
Identifiers: ClinVar variation 682375 (VCV000682375.8), dbSNP rs371416008, ClinGen allele CA7889916.

ClinVar aggregate classification (germline): Benign/Likely benign. Review status: criteria provided, multiple submitters, no conflicts (2 of 4 stars). 2 submissions from 2 submitters: Benign (1); Likely benign (1). Last evaluated 2025-09-10.

Conditions:
ALG1-congenital disorder of glycosylation. Also called: CDG Ik; CONGENITAL DISORDER OF GLYCOSYLATION, TYPE Ik; ALG1-CDG. Identifiers: Orphanet 79327, MedGen C2931005, MONDO:0012052, OMIM 608540.

Allele frequency attached by ClinVar (database versions not stated): ExAC 0.00010; TOPMed 0.00010; gnomAD exomes 0.00013 and 0.00014; gnomAD 0.00014 and 0.00015; ESP Exome Variant Server 0.00015.
gnomAD v4.1: 214 of 1,613,006 alleles (0.013%); highest among the groups gnomAD compares: Non-Finnish European, 0.015%; 1 homozygote.

Submissions (2):

Labcorp Genetics (formerly Invitae), Labcorp
Classification: Benign for ALG1-congenital disorder of glycosylation. Last evaluated: 2025-09-10. Review status: criteria provided, single submitter. Criteria: Invitae Variant Classification Sherloc (09022015). Collection method: clinical testing. Allele origin: germline.

GeneDx
Classification: Likely benign. Last evaluated: 2018-05-11. Review status: criteria provided, single submitter. Criteria: GeneDx Variant Classification (06012015). Collection method: clinical testing. Allele origin: germline. Affected: yes.
Comment: This variant is considered likely benign or benign based on one or more of the following criteria: it is a conservative change, it occurs at a poorly conserved position in the protein, it is predicted to be benign by multiple in silico algorithms, and/or has population frequency not consistent with disease.